The following is an entry in ClinVar:

ClinVar aggregate classification (germline): Uncertain significance (1 of 4 stars; one submission).

Conditions:
Familial cancer of breast. Also called: BREAST CANCER, FAMILIAL; Hereditary breast cancer; hereditary breast carcinoma. Identifiers: Orphanet 227535, MedGen C0346153, MONDO:0016419, OMIM 114480. Disease mechanism: loss of function.

Submission:

Labcorp Genetics (formerly Invitae), Labcorp
Classification: Uncertain significance for Familial cancer of breast. Last evaluated: 2022-08-16. Review status: criteria provided, single submitter. Criteria: Invitae Variant Classification Sherloc (09022015). Collection method: clinical testing. Allele origin: germline.
Comment: A copy number gain of the genomic region encompassing the full coding sequence of the CHEK2 gene has been identified. The boundaries of this event are unknown as they extend beyond the assayed region for this gene and therefore may encompass additional genes. As the precise location of this event is unknown, it may be in tandem or it may be located elsewhere in the genome. This variant has not been reported in the literature in individuals affected with CHEK2-related conditions. Experimental studies and prediction algorithms are not available or were not evaluated, and the functional significance of this variant is currently unknown. In summary, the available evidence is currently insufficient to determine the role of this variant in disease. Therefore, it has been classified as a Variant of Uncertain Significance.

NC_000022.11:g.(?_28687897)_(28734725_?)dup

Gene: CHEK2 (checkpoint kinase 2; minus strand). Cytogenetic location: 22q12.1.
Variant type: Duplication.
Identifiers: ClinVar variation 832533 (VCV000832533.3).